The following is an entry in ClinVar:

NM_032608.7(MYO18B):c.45G>A (p.Arg15=)

Gene: MYO18B (myosin XVIIIB; plus strand). Cytogenetic location: 22q12.1.
Variant type: single nucleotide variant.
Coding change: c.45G>A on transcript NM_032608.7 (MANE Select); coding-DNA position 45, G replaced by A.
Protein change: p.Arg15=; no amino-acid change (arginine 15 retained).
Molecular consequence: synonymous variant.
Genome position (GRCh38, 1-based): chr22:25,763,236, G>A. VCF-style: chr22-25763236-G-A. GRCh37 (hg19) VCF-style: chr22-26159203-G-A.
Other names: c.45G>A, p.Arg15= (NM_001318245.2); c.45G>A (NM_032608.6).
Identifiers: ClinVar variation 1602581 (VCV001602581.9), dbSNP rs375159136, ClinGen allele CA10159482.

ClinVar aggregate classification (germline): Likely benign. Review status: criteria provided, single submitter (1 of 4 stars). 2 submissions from 2 submitters: Likely benign (1). 1 of the submissions does not count toward it. Last evaluated 2024-05-06.

Conditions:
MYO18B-related disorder. Also called: MYO18B-related condition.

Allele frequency attached by ClinVar (database versions not stated): gnomAD exomes below 0.00001; ExAC 0.00002; gnomAD 0.00005; TOPMed 0.00011; ESP Exome Variant Server 0.00017.
gnomAD v4.1: 12 of 1,607,790 alleles (0.00075%); highest among the groups gnomAD compares: African/African-American, 0.016%; no homozygotes.

Submissions (2):

Labcorp Genetics (formerly Invitae), Labcorp
Classification: Likely benign. Last evaluated: 2024-05-06. Review status: criteria provided, single submitter. Criteria: Invitae Variant Classification Sherloc (09022015). Collection method: clinical testing. Allele origin: germline.

PreventionGenetics, part of Exact Sciences
Classification: Likely benign for MYO18B-related condition. Last evaluated: 2024-07-09. Review status: no assertion criteria provided. Collection method: clinical testing. Allele origin: germline. Not counted in ClinVar's aggregate classification.
Comment: This variant is classified as likely benign based on ACMG/AMP sequence variant interpretation guidelines (Richards et al. 2015 PMID: 25741868, with internal and published modifications).